The following is an entry in ClinVar:

ClinVar aggregate classification (germline): Pathogenic (1 of 4 stars; one submission).

Allele frequency attached by ClinVar (database versions not stated): gnomAD 0.00001.

Submission:

Labcorp Genetics (formerly Invitae), Labcorp
Classification: Pathogenic. Last evaluated: 2023-08-30. Review status: criteria provided, single submitter. Criteria: Invitae Variant Classification Sherloc (09022015). Collection method: clinical testing. Allele origin: germline.
Comment: This variant is not present in population databases (gnomAD no frequency). For these reasons, this variant has been classified as Pathogenic. This variant disrupts the p.Gly1761 amino acid residue in COL7A1. Other variant(s) that disrupt this residue have been determined to be pathogenic (Invitae). This suggests that this residue is clinically significant, and that variants that disrupt this residue are likely to be disease-causing. This variant disrupts the triple helix domain of COL7A1. Glycine residues within the Gly-Xaa-Yaa repeats of the triple helix domain are required for the structure and stability of fibrillar collagens (PMID: 7695699, 8218237, 19344236), and variants at these glycine residues in COL7A1 are more frequently observed in individuals with disease than in the general population (PMID: 22058051). However, the clinical significance of this observation remains uncertain since only a limited number of affected individuals have been described to date. Advanced modeling of protein sequence and biophysical properties (such as structural, functional, and spatial information, amino acid conservation, physicochemical variation, residue mobility, and thermodynamic stability) performed at Invitae indicates that this missense variant is expected to disrupt COL7A1 protein function. This missense change has been observed in individual(s) with autosomal dominant and autosomal recessive epidermolysis bullosa dystrophica (PMID: 25425313, 31001817). In at least one individual the variant was observed to be de novo. This sequence change replaces glycine, which is neutral and non-polar, with aspartic acid, which is acidic and polar, at codon 1761 of the COL7A1 protein (p.Gly1761Asp).

Literature cited by the submitters: PubMed 7695699; PubMed 8218237; PubMed 19344236; PubMed 22058051; PubMed 25425313; PubMed 31001817.

NM_000094.4(COL7A1):c.5282G>A (p.Gly1761Asp)

Gene: COL7A1 (collagen type VII alpha 1 chain; minus strand). Cytogenetic location: 3p21.31.
Variant type: single nucleotide variant.
Coding change: c.5282G>A on transcript NM_000094.4 (MANE Select); coding-DNA position 5282, G replaced by A.
Protein change: p.Gly1761Asp; replaces glycine 1761 with aspartic acid.
Molecular consequence: missense variant.
Genome position (GRCh38, 1-based): chr3:48,579,394, C>T on the plus strand (G>A on the coding strand, the complement: COL7A1 is on the minus strand). VCF-style: chr3-48579394-C-T. GRCh37 (hg19) VCF-style: chr3-48616827-C-T.
Other names: short protein forms G1761D.
Identifiers: ClinVar variation 2734518 (VCV002734518.3), dbSNP rs2044563544, ClinGen allele CA352676378.